The following is an entry in ClinVar:

ClinVar aggregate classification (germline): Pathogenic/Likely pathogenic. Review status: criteria provided, multiple submitters, no conflicts (2 of 4 stars). 2 submissions from 2 submitters: Pathogenic (1); Likely pathogenic (1). Last evaluated 2025-07-14.

Conditions:
Gaucher disease. Also called: Acute cerebral Gaucher disease; Cerebroside lipidosis syndrome; Gaucher splenomegaly; Sphingolipidosis 1; Glucocerebrosidosis; Glucosylceramidase deficiency. Identifiers: Orphanet 355, MedGen C0017205, MONDO:0018150.
Lewy body dementia (DLB). Also called: Lewy Body Disease. Identifiers: MedGen C0752347, MONDO:0007488, OMIM 127750.
Gaucher disease type I (GD1). Also called: GD 1; Type 1 Gaucher Disease; ACID BETA-GLUCOSIDASE DEFICIENCY; GAUCHER DISEASE, NONCEREBRAL JUVENILE; GBA DEFICIENCY; GD I. Identifiers: Orphanet 355, Orphanet 77259, MedGen C1961835, MONDO:0009265, OMIM 230800.
Parkinson disease, late-onset (PD). Also called: Hereditary late onset Parkinson disease; Susceptibility to Parkinson's Disease; PARKINSON DISEASE, LATE-ONSET, SUSCEPTIBILITY TO. Identifiers: Orphanet 411602, MedGen C3160718, MONDO:0008199, OMIM 168600.
Gaucher disease type II (GD2). Also called: Type 2 Gaucher disease (Acute; Infantile); GAUCHER DISEASE, ACUTE NEURONOPATHIC TYPE; GD II; Acute neuronopathic Gaucher's disease. Identifiers: Orphanet 77260, MedGen C0268250, MONDO:0009266, OMIM 230900.
Gaucher disease type III. Also called: Gaucher Disease, Type 3; Type 3 Gaucher disease (Subacute; Juvenile); GAUCHER DISEASE, CHRONIC NEURONOPATHIC TYPE; GAUCHER DISEASE, JUVENILE AND ADULT, CEREBRAL; GAUCHER DISEASE, SUBACUTE NEURONOPATHIC TYPE; GD III. Identifiers: Orphanet 355, Orphanet 77261, MedGen C0268251, MONDO:0009267, OMIM 231000.
Gaucher disease perinatal lethal. Also called: Gaucher disease collodion type; Gaucher Disease, Perinatal-Lethal Form. Identifiers: Orphanet 85212, MedGen C1842704, MONDO:0011945, OMIM 608013.
Gaucher disease-ophthalmoplegia-cardiovascular calcification syndrome. Also called: GAUCHER DISEASE, TYPE IIIC. Identifiers: Orphanet 2072, MedGen C1856476, MONDO:0009268, OMIM 231005.

Submissions (2):

Natera, Inc.
Classification: Pathogenic for Gaucher disease. Last evaluated: 2025-07-14. Review status: criteria provided, single submitter. Criteria: Natera Variant Classification Schema (03/2026). Collection method: clinical testing. Allele origin: germline.
Comment: The c.115+2T>C variant in GBA1 is a canonical splice donor site variant predicted to affect pre-mRNA splicing, which may result in an abnormal transcript and altered protein product. This variant is expected to result in nonsense mediated decay, truncation, or a dysfunctional protein product. This variant is rare in the general population with a frequency below the threshold expected for the associated phenotype(s). Another variant at this same site results in an alteration predicted to cause a similar molecular effect has been observed in individual(s) with the associated phenotype. Given the available evidence, this variant is classified as Pathogenic.

Juno Genomics, Hangzhou Juno Genomics, Inc
Classification: Likely pathogenic for Lewy body dementia; Parkinson disease, late-onset; Gaucher disease perinatal lethal; Gaucher disease type I; Gaucher disease type II; Gaucher disease type III; Gaucher disease-ophthalmoplegia-cardiovascular calcification syndrome. Review status: criteria provided, single submitter. Criteria: ACMG Guidelines, 2015. Collection method: clinical testing. Allele origin: germline.
Comment: Absent from controls (or at extremely low frequency if recessive) in Genome Aggregation Database.;Null variant in a gene where loss of function (LOF) is a known mechanism of disease.

NM_000157.4(GBA1):c.115+2T>C

Gene: GBA1 (glucosylceramidase beta 1; minus strand). Cytogenetic location: 1q22.
Variant type: single nucleotide variant.
Coding change: c.115+2T>C on transcript NM_000157.4 (MANE Select); the canonical splice donor site of the intron after coding-DNA position 115, T replaced by C.
Molecular consequence: splice donor variant. On other transcripts: intron variant (1).
Genome position (GRCh38, 1-based): chr1:155,240,628, A>G on the plus strand (T>C on the coding strand, the complement: GBA1 is on the minus strand). VCF-style: chr1-155240628-A-G. GRCh37 (hg19) VCF-style: chr1-155210419-A-G.
Other names: c.-146-551T>C (NM_001171811.2); c.115+2T>C (NM_001005742.3, NM_001005741.3, NM_001171812.2).
Identifiers: ClinVar variation 4817679 (VCV004817679.3).